The following is an entry in ClinVar:

ClinVar aggregate classification (germline): Uncertain significance. Review status: criteria provided, multiple submitters, no conflicts (2 of 4 stars). 2 submissions from 2 submitters: Uncertain significance (2). Last evaluated 2025-07-21.

gnomAD v4.1: 4 of 1,614,088 alleles (0.00025%); highest among the groups gnomAD compares: Admixed American, 0.0033%; no homozygotes.

Submissions (2):

Labcorp Genetics (formerly Invitae), Labcorp
Classification: Uncertain significance. Last evaluated: 2025-07-21. Review status: criteria provided, single submitter. Criteria: Invitae Variant Classification Sherloc (09022015). Collection method: clinical testing. Allele origin: germline.
Comment: This sequence change replaces proline, which is neutral and non-polar, with threonine, which is neutral and polar, at codon 207 of the COL10A1 protein (p.Pro207Thr). This variant is present in population databases (no rsID available, gnomAD 0.009%). This variant has not been reported in the literature in individuals affected with COL10A1-related conditions. ClinVar contains an entry for this variant (Variation ID: 3896434). Invitae Evidence Modeling of protein sequence and biophysical properties (such as structural, functional, and spatial information, amino acid conservation, physicochemical variation, residue mobility, and thermodynamic stability) has been performed for this missense variant. However, the output from this modeling did not meet the statistical confidence thresholds required to predict the impact of this variant on COL10A1 protein function. In summary, the available evidence is currently insufficient to determine the role of this variant in disease. Therefore, it has been classified as a Variant of Uncertain Significance.

Women's Health and Genetics/Laboratory Corporation of America, LabCorp
Classification: Uncertain significance. Last evaluated: 2025-04-07. Review status: criteria provided, single submitter. Criteria: LabCorp Variant Classification Summary - May 2015. Collection method: clinical testing. Allele origin: germline.
Comment: Variant summary: COL10A1 c.619C>A (p.Pro207Thr) results in a non-conservative amino acid change in the encoded protein sequence. Three of five in-silico tools predict a damaging effect of the variant on protein function. The variant allele was found at a frequency of 1.2e-05 in 251388 control chromosomes. The available data on variant occurrences in the general population are insufficient to allow any conclusion about variant significance. To our knowledge, no occurrence of c.619C>A in individuals affected with Metaphyseal Chondrodysplasia, Schmid Type and no experimental evidence demonstrating its impact on protein function have been reported. No submitters have cited clinical-significance assessments for this variant to ClinVar. Based on the evidence outlined above, the variant was classified as uncertain significance.

NM_000493.4(COL10A1):c.619C>A (p.Pro207Thr)

Genes: COL10A1 (collagen type X alpha 1 chain; minus strand), NT5DC1 (5'-nucleotidase domain containing 1; plus strand). Cytogenetic location: 6q22.1.
Variant type: single nucleotide variant.
Coding change: c.619C>A on transcript NM_000493.4 (MANE Select); coding-DNA position 619, C replaced by A.
Protein change: p.Pro207Thr; replaces proline 207 with threonine.
Molecular consequence: missense variant. On other transcripts: intron variant (1).
Genome position (GRCh38, 1-based): chr6:116,121,497, G>T on the plus strand (C>A on the coding strand, the complement: COL10A1 is on the minus strand). VCF-style: chr6-116121497-G-T. GRCh37 (hg19) VCF-style: chr6-116442660-G-T.
Other names: c.619C>A, p.Pro207Thr (NM_001424106.1, NM_001424107.1); c.529+3552G>T (NM_152729.3); short protein forms P207T.
Identifiers: ClinVar variation 3896434 (VCV003896434.3).